The following is an entry in ClinVar:

NM_005260.7(GDF9):c.-32A>G

Gene: GDF9 (growth differentiation factor 9; minus strand). Cytogenetic location: 5q31.1.
Variant type: single nucleotide variant.
Coding change: c.-32A>G on transcript NM_005260.7 (MANE Select); 32 bases upstream of the start codon, A replaced by G.
Molecular consequence: 5 prime UTR variant. On other transcripts: intron variant (5).
Genome position (GRCh38, 1-based): chr5:132,864,565, T>C on the plus strand (A>G on the coding strand, the complement: GDF9 is on the minus strand). VCF-style: chr5-132864565-T-C. GRCh37 (hg19) VCF-style: chr5-132200257-T-C.
Other names: c.-31-265A>G (NM_001288824.4); c.-111-185A>G (NM_001288825.4, NM_001288828.3, NM_001288827.3); c.-44-252A>G (NM_001288826.3).
Identifiers: ClinVar variation 380273 (VCV000380273.1), dbSNP rs17166282, ClinGen allele CA3408399.

ClinVar aggregate classification (germline): Benign (1 of 4 stars; one submission).

Allele frequency attached by ClinVar (database versions not stated): gnomAD exomes 0.00469 and 0.01123; ExAC 0.01250; ESP Exome Variant Server 0.04151; gnomAD 0.04206 and 0.04510; TOPMed 0.04698; 1000 Genomes Project 0.04772; 1000 Genomes Project 30x 0.04997.
gnomAD v4.1: 13,458 of 1,597,244 alleles (0.84%); highest among the groups gnomAD compares: African/African-American, 14%; 807 homozygotes.

Submission:

GeneDx
Classification: Benign. Last evaluated: 2016-02-03. Review status: criteria provided, single submitter. Criteria: GeneDx Variant Classification (06012015). Collection method: clinical testing. Allele origin: germline. Affected: yes.
Comment: This variant is considered likely benign or benign based on one or more of the following criteria: it is a conservative change, it occurs at a poorly conserved position in the protein, it is predicted to be benign by multiple in silico algorithms, and/or has population frequency not consistent with disease.